The following is an entry in ClinVar:

NM_144508.5(KNL1):c.4072C>T (p.Leu1358Phe)

Gene: KNL1 (kinetochore scaffold 1; plus strand). Cytogenetic location: 15q15.1.
Variant type: single nucleotide variant.
Coding change: c.4072C>T on transcript NM_144508.5 (MANE Select); coding-DNA position 4072, C replaced by T.
Protein change: p.Leu1358Phe; replaces leucine 1358 with phenylalanine.
Molecular consequence: missense variant.
Genome position (GRCh38, 1-based): chr15:40,624,336, C>T. VCF-style: chr15-40624336-C-T. GRCh37 (hg19) VCF-style: chr15-40916534-C-T.
Other names: c.4150C>T, p.Leu1384Phe (NM_170589.5); short protein forms L1358F, L1384F.
Identifiers: ClinVar variation 2628686 (VCV002628686.2), dbSNP rs1025267096, ClinGen allele CA268827188.

ClinVar aggregate classification (germline): Uncertain significance (1 of 4 stars; one submission).

Conditions:
KNL1-related disorder. Also called: KNL1-related condition.

Allele frequency attached by ClinVar (database versions not stated): gnomAD 0.00001; TOPMed 0.00001.
gnomAD v4.1: 7 of 1,613,810 alleles (0.00043%); highest among the groups gnomAD compares: East Asian, 0.0022%; no homozygotes.

Submission:

PreventionGenetics, part of Exact Sciences
Classification: Uncertain significance for KNL1-related condition. Last evaluated: 2025-02-06. Review status: criteria provided, single submitter. Criteria: ACMG Guidelines, 2015. Collection method: clinical testing. Allele origin: germline.
Comment: The KNL1 c.4150C>T variant is predicted to result in the amino acid substitution p.Leu1384Phe. To our knowledge, this variant has not been reported in the literature or in gnomAD, indicating this variant is rare. At this time, the clinical significance of this variant is uncertain due to the absence of conclusive functional and genetic evidence.